The following is an entry in ClinVar:

ClinVar aggregate classification (germline): Pathogenic (1 of 4 stars; one submission).

Conditions:
Hereditary cancer-predisposing syndrome. Also called: Neoplastic Syndromes, Hereditary; Hereditary Cancer Syndrome; Tumor predisposition; Hereditary neoplastic syndrome. Identifiers: Orphanet 140162, MedGen C0027672, MeSH D009386, MONDO:0015356.

Submission:

Labcorp Genetics (formerly Invitae), Labcorp
Classification: Pathogenic for Hereditary cancer-predisposing syndrome. Last evaluated: 2021-12-07. Review status: criteria provided, single submitter. Criteria: Invitae Variant Classification Sherloc (09022015). Collection method: clinical testing. Allele origin: germline.
Comment: This sequence change creates a premature translational stop signal (p.Gln551Argfs*9) in the RAD50 gene. It is expected to result in an absent or disrupted protein product. Loss-of-function variants in RAD50 are known to be pathogenic (PMID: 19409520). This variant is not present in population databases (gnomAD no frequency). This variant has not been reported in the literature in individuals affected with RAD50-related conditions. ClinVar contains an entry for this variant (Variation ID: 582987). For these reasons, this variant has been classified as Pathogenic.

Literature cited by the submitters: PubMed 19409520.

NM_005732.4(RAD50):c.1648_1651dup (p.Gln551fs)

Gene: RAD50 (RAD50 double strand break repair protein; plus strand). Cytogenetic location: 5q31.1.
Variant type: Duplication.
Coding change: c.1648_1651dup on transcript NM_005732.4 (MANE Select); coding-DNA positions 1648 to 1651, 4 bases duplicated (GAAC; older notation c.1648_1651dupGAAC).
Protein change: p.Gln551fs; shifts the reading frame from glutamine 551.
Molecular consequence: frameshift variant.
Genome position (GRCh38, 1-based): chr5:132,591,889-132,591,892, GAAC duplicated. VCF-style (leftmost placement, unchanged base first): chr5-132591888-T-TGAAC. GRCh37 (hg19) VCF-style: chr5-131927580-T-TGAAC.
Other names: c.1648_1651dupGAAC (NM_005732.3); short protein forms Q551fs.
Identifiers: ClinVar variation 582987 (VCV000582987.7), dbSNP rs1561641010, ClinGen allele CA891842982.